The following is an entry in ClinVar:

ClinVar aggregate classification (germline): Uncertain significance. Review status: criteria provided, multiple submitters, no conflicts (2 of 4 stars). 2 submissions from 2 submitters: Uncertain significance (2). Last evaluated 2024-12-23.

Allele frequency attached by ClinVar (database versions not stated): ExAC 0.00001.
gnomAD v4.1: 5 of 1,592,236 alleles (0.00031%); highest among the groups gnomAD compares: South Asian, 0.0011%; no homozygotes.

Submissions (2):

GeneDx
Classification: Uncertain significance. Last evaluated: 2024-12-23. Review status: criteria provided, single submitter. Criteria: GeneDx Variant Classification Process June 2021. Collection method: clinical testing. Allele origin: germline. Affected: yes.
Comment: In silico analysis indicates that this missense variant does not alter protein structure/function; Has not been previously published as pathogenic or benign to our knowledge

Women's Health and Genetics/Laboratory Corporation of America, LabCorp
Classification: Uncertain significance. Last evaluated: 2024-01-22. Review status: criteria provided, single submitter. Criteria: LabCorp Variant Classification Summary - May 2015. Collection method: clinical testing. Allele origin: germline.
Comment: Variant summary: MED12L c.5723C>T (p.Pro1908Leu) results in a non-conservative amino acid change located in the mediator complex, subunit Med12, catenin-binding domain (IPR021989) of the encoded protein sequence. Three of five in-silico tools predict a benign effect of the variant on protein function. The variant allele was found at a frequency of 4.4e-06 in 227864 control chromosomes. The available data on variant occurrences in the general population are insufficient to allow any conclusion about variant significance. To our knowledge, no occurrence of c.5723C>T in individuals affected with Nizon-Isidor Syndrome and no experimental evidence demonstrating its impact on protein function have been reported. No submitters have cited clinical-significance assessments for this variant to ClinVar. Based on the evidence outlined above, the variant was classified as uncertain significance.

NM_001393769.1(MED12L):c.5828C>T (p.Pro1943Leu)

Gene: MED12L (mediator complex subunit 12L; plus strand). Cytogenetic location: 3q25.1.
Variant type: single nucleotide variant.
Coding change: c.5828C>T on transcript NM_001393769.1 (MANE Select); coding-DNA position 5828, C replaced by T.
Protein change: p.Pro1943Leu; replaces proline 1943 with leucine.
Molecular consequence: missense variant.
Genome position (GRCh38, 1-based): chr3:151,409,250, C>T. VCF-style: chr3-151409250-C-T. GRCh37 (hg19) VCF-style: chr3-151127038-C-T.
Other names: c.5723C>T, p.Pro1908Leu (NM_053002.6); c.5723C>T (NM_053002.4); short protein forms P1908L, P1943L.
Identifiers: ClinVar variation 3063634 (VCV003063634.2), dbSNP rs779962238, ClinGen allele CA2668895.